The following is an entry in ClinVar:

ClinVar aggregate classification (germline): Uncertain significance (1 of 4 stars; one submission).

Conditions:
X-linked agammaglobulinemia with growth hormone deficiency (IGHD3). Also called: AGAMMAGLOBULINEMIA AND ISOLATED GROWTH HORMONE DEFICIENCY, X-LINKED; FLEISHER SYNDROME; Isolated growth hormone deficiency type 3; Growth hormone deficiency with hypogammaglobulinemia; ISOLATED GROWTH HORMONE DEFICIENCY, TYPE III, WITH AGAMMAGLOBULINEMIA; HYPOGAMMAGLOBULINEMIA AND ISOLATED GROWTH HORMONE DEFICIENCY, X-LINKED. Identifiers: Orphanet 231692, Orphanet 631, MedGen C0472813, MONDO:0010615, OMIM 307200.

Allele frequency attached by ClinVar (database versions not stated): gnomAD exomes below 0.00001; gnomAD 0.00001.
gnomAD v4.1: 2 of 1,207,874 alleles (0.00017%); highest among the groups gnomAD compares: African/African-American, 0.0018%; no homozygotes.

Submission:

Labcorp Genetics (formerly Invitae), Labcorp
Classification: Uncertain significance for X-linked agammaglobulinemia with growth hormone deficiency. Last evaluated: 2020-02-07. Review status: criteria provided, single submitter. Criteria: Invitae Variant Classification Sherloc (09022015). Collection method: clinical testing. Allele origin: germline.
Comment: This sequence change replaces arginine with tryptophan at codon 123 of the BTK protein (p.Arg123Trp). The arginine residue is highly conserved and there is a moderate physicochemical difference between arginine and tryptophan. This variant is not present in population databases (ExAC no frequency). In summary, the available evidence is currently insufficient to determine the role of this variant in disease. Therefore, it has been classified as a Variant of Uncertain Significance. Algorithms developed to predict the effect of missense changes on protein structure and function (SIFT, PolyPhen-2, Align-GVGD) all suggest that this variant is likely to be disruptive, but these predictions have not been confirmed by published functional studies and their clinical significance is uncertain. This variant has not been reported in the literature in individuals with BTK-related conditions.

NM_000061.3(BTK):c.367C>T (p.Arg123Trp)

Gene: BTK (Bruton tyrosine kinase; minus strand). Cytogenetic location: Xq22.1.
Variant type: single nucleotide variant.
Coding change: c.367C>T on transcript NM_000061.3 (MANE Select); coding-DNA position 367, C replaced by T.
Protein change: p.Arg123Trp; replaces arginine 123 with tryptophan.
Molecular consequence: missense variant.
Genome position (GRCh38, 1-based): chrX:101,370,022, G>A on the plus strand (C>T on the coding strand, the complement: BTK is on the minus strand). VCF-style: chrX-101370022-G-A. GRCh37 (hg19) VCF-style: chrX-100625010-G-A.
Other names: c.469C>T, p.Arg157Trp (NM_001287344.2); c.367C>T, p.Arg123Trp (NM_001287345.2); short protein forms R123W, R157W.
Identifiers: ClinVar variation 1009520 (VCV001009520.10), dbSNP rs1926975244, ClinGen allele CA413937004.